The following is an entry in ClinVar:

ClinVar aggregate classification (germline): Uncertain significance (1 of 4 stars; one submission).

Allele frequency attached by ClinVar (database versions not stated): gnomAD 0.00001; TOPMed 0.00002.
gnomAD v4.1: 3 of 1,614,004 alleles (0.00019%); highest among the groups gnomAD compares: Admixed American, 0.005%; no homozygotes.

Submission:

Labcorp Genetics (formerly Invitae), Labcorp
Classification: Uncertain significance. Last evaluated: 2024-10-16. Review status: criteria provided, single submitter. Criteria: Invitae Variant Classification Sherloc (09022015). Collection method: clinical testing. Allele origin: germline.
Comment: This sequence change replaces glycine, which is neutral and non-polar, with valine, which is neutral and non-polar, at codon 971 of the FREM2 protein (p.Gly971Val). This variant is present in population databases (no rsID available, gnomAD 0.003%). This variant has not been reported in the literature in individuals affected with FREM2-related conditions. ClinVar contains an entry for this variant (Variation ID: 2125853). Invitae Evidence Modeling of protein sequence and biophysical properties (such as structural, functional, and spatial information, amino acid conservation, physicochemical variation, residue mobility, and thermodynamic stability) indicates that this missense variant is expected to disrupt FREM2 protein function with a positive predictive value of 80%. In summary, the available evidence is currently insufficient to determine the role of this variant in disease. Therefore, it has been classified as a Variant of Uncertain Significance.

NM_207361.6(FREM2):c.2912G>T (p.Gly971Val)

Gene: FREM2 (FRAS1 related extracellular matrix 2; plus strand). Cytogenetic location: 13q13.3.
Variant type: single nucleotide variant.
Coding change: c.2912G>T on transcript NM_207361.6 (MANE Select); coding-DNA position 2912, G replaced by T.
Protein change: p.Gly971Val; replaces glycine 971 with valine.
Molecular consequence: missense variant.
Genome position (GRCh38, 1-based): chr13:38,690,256, G>T. VCF-style: chr13-38690256-G-T. GRCh37 (hg19) VCF-style: chr13-39264393-G-T.
Other names: short protein forms G971V.
Identifiers: ClinVar variation 2125853 (VCV002125853.3), dbSNP rs1256514051, ClinGen allele CA387889833.